The following is an entry in ClinVar:

ClinVar aggregate classification (germline): Uncertain significance (1 of 4 stars; one submission).

Allele frequency attached by ClinVar (database versions not stated): gnomAD 0.00001.

Submission:

Labcorp Genetics (formerly Invitae), Labcorp
Classification: Uncertain significance. Last evaluated: 2020-10-13. Review status: criteria provided, single submitter. Criteria: Invitae Variant Classification Sherloc (09022015). Collection method: clinical testing. Allele origin: germline.
Comment: This sequence change falls in intron 11 of the IMPDH1 gene. It does not directly change the encoded amino acid sequence of the IMPDH1 protein, but it affects a nucleotide within the consensus splice site of the intron. This variant is not present in population databases (ExAC no frequency). This variant has not been reported in the literature in individuals with IMPDH1-related conditions. Nucleotide substitutions within the consensus splice site are a relatively common cause of aberrant splicing (PMID: 17576681, 9536098). Algorithms developed to predict the effect of sequence changes on RNA splicing suggest that this variant is not likely to affect RNA splicing, but this prediction has not been confirmed by published transcriptional studies. In summary, the available evidence is currently insufficient to determine the role of this variant in disease. Therefore, it has been classified as a Variant of Uncertain Significance.

Literature cited by the submitters: PubMed 17576681; PubMed 9536098.

NM_000883.4(IMPDH1):c.1166-3C>T

Gene: IMPDH1 (inosine monophosphate dehydrogenase 1; minus strand). Cytogenetic location: 7q32.1.
Variant type: single nucleotide variant.
Coding change: c.1166-3C>T on transcript NM_000883.4 (MANE Select); 3 bases into the intron before coding-DNA position 1166, C replaced by T.
Molecular consequence: intron variant.
Genome position (GRCh38, 1-based): chr7:128,396,698, G>A on the plus strand (C>T on the coding strand, the complement: IMPDH1 is on the minus strand). VCF-style: chr7-128396698-G-A. GRCh37 (hg19) VCF-style: chr7-128036752-G-A.
Other names: c.959-3C>T (NM_001304521.2); c.1058-3C>T (NM_183243.3); c.1136-3C>T (NM_001102605.2); c.1067-3C>T (NM_001142576.2); c.836-3C>T (NM_001142575.2); c.896-3C>T (NM_001142574.2); c.911-3C>T (NM_001142573.2).
Identifiers: ClinVar variation 1898768 (VCV001898768.2), dbSNP rs548947998, ClinGen allele CA166124165.